The following is an entry in ClinVar:

NM_006231.4(POLE):c.774C>G (p.Thr258=)

Gene: POLE (DNA polymerase epsilon, catalytic subunit; minus strand). Cytogenetic location: 12q24.33.
Variant type: single nucleotide variant.
Coding change: c.774C>G on transcript NM_006231.4 (MANE Select); coding-DNA position 774, C replaced by G.
Protein change: p.Thr258=; no amino-acid change (threonine 258 retained).
Molecular consequence: synonymous variant.
Genome position (GRCh38, 1-based): chr12:132,677,390, G>C on the plus strand (C>G on the coding strand, the complement: POLE is on the minus strand). VCF-style: chr12-132677390-G-C. GRCh37 (hg19) VCF-style: chr12-133253976-G-C.
Identifiers: ClinVar variation 240627 (VCV000240627.20), dbSNP rs149345392, ClinGen allele CA6894191.

ClinVar aggregate classification (germline): Benign/Likely benign. Review status: criteria provided, multiple submitters, no conflicts (2 of 4 stars). 5 submissions from 5 submitters: Benign (1); Likely benign (4). Last evaluated 2026-01-16.

Conditions:
POLE-related disorder. Also called: POLE-related disorders; POLE-related condition.
Hereditary cancer-predisposing syndrome. Also called: Neoplastic Syndromes, Hereditary; Hereditary neoplastic syndrome; Hereditary Cancer Syndrome; Tumor predisposition. Identifiers: Orphanet 140162, MedGen C0027672, MeSH D009386, MONDO:0015356.

Allele frequency attached by ClinVar (database versions not stated): gnomAD exomes 0.00001 and 0.00002; ExAC 0.00003; ESP Exome Variant Server 0.00008; gnomAD 0.00010 and 0.00011; TOPMed 0.00017.
gnomAD v4.1: 30 of 1,613,818 alleles (0.0019%); highest among the groups gnomAD compares: African/African-American, 0.037%; no homozygotes.

Submissions (5):

Labcorp Genetics (formerly Invitae), Labcorp
Classification: Likely benign. Last evaluated: 2026-01-16. Review status: criteria provided, single submitter. Criteria: Invitae Variant Classification Sherloc (09022015). Collection method: clinical testing. Allele origin: germline.

PreventionGenetics, part of Exact Sciences
Classification: Likely benign for POLE-related condition. Last evaluated: 2025-03-10. Review status: criteria provided, single submitter. Criteria: ACMG Guidelines, 2015. Collection method: clinical testing. Allele origin: germline.
Comment: This variant is classified as likely benign based on ACMG/AMP sequence variant interpretation guidelines (Richards et al. 2015 PMID: 25741868, with internal and published modifications).

Quest Diagnostics Nichols Institute San Juan Capistrano
Classification: Benign. Last evaluated: 2019-03-21. Review status: criteria provided, single submitter. Criteria: Quest Diagnostics criteria. Collection method: clinical testing. Allele origin: germline.

GeneDx
Classification: Likely benign. Last evaluated: 2018-08-22. Review status: criteria provided, single submitter. Criteria: GeneDx Variant Classification Process June 2021. Collection method: clinical testing. Allele origin: germline. Affected: yes.

Ambry Genetics
Classification: Likely benign for Hereditary cancer-predisposing syndrome. Last evaluated: 2015-10-13. Review status: criteria provided, single submitter. Criteria: Ambry Variant Classification Scheme 2023. Collection method: clinical testing. Allele origin: germline.